The following is an entry in ClinVar:

ClinVar aggregate classification (germline): Benign/Likely benign. Review status: criteria provided, multiple submitters, no conflicts (2 of 4 stars). 4 submissions from 4 submitters: Benign (1); Likely benign (3). Last evaluated 2026-01-15.

Conditions:
Hereditary cancer-predisposing syndrome. Also called: Tumor predisposition; Hereditary Cancer Syndrome; Hereditary neoplastic syndrome; Neoplastic Syndromes, Hereditary. Identifiers: Orphanet 140162, MedGen C0027672, MeSH D009386, MONDO:0015356.
Tuberous sclerosis 2 (TSC2). Identifiers: Orphanet 805, MedGen C1860707, MONDO:0013199, OMIM 613254.

gnomAD v4.1: 1 of 1,614,166 alleles (0.000062%); no homozygotes.

Submissions (4):

Labcorp Genetics (formerly Invitae), Labcorp
Classification: Likely benign for Tuberous sclerosis 2. Last evaluated: 2026-01-15. Review status: criteria provided, single submitter. Criteria: Invitae Variant Classification Sherloc (09022015). Collection method: clinical testing. Allele origin: germline.

Myriad Genetics, Inc.
Classification: Benign for Tuberous sclerosis 2. Last evaluated: 2025-05-19. Review status: criteria provided, single submitter. Criteria: Myriad Autosomal Dominant, Autosomal Recessive and X-Linked Classification Criteria (2023). Collection method: clinical testing. Allele origin: unknown.
Comment: This variant is considered benign. This variant is a silent/synonymous amino acid change and it is not expected to impact splicing.

Women's Health and Genetics/Laboratory Corporation of America, LabCorp
Classification: Likely benign. Last evaluated: 2024-07-12. Review status: criteria provided, single submitter. Criteria: LabCorp Variant Classification Summary - May 2015. Collection method: clinical testing. Allele origin: germline.

Ambry Genetics
Classification: Likely benign for Hereditary cancer-predisposing syndrome. Last evaluated: 2022-07-29. Review status: criteria provided, single submitter. Criteria: Ambry Variant Classification Scheme 2023. Collection method: clinical testing. Allele origin: germline.

NM_000548.5(TSC2):c.2154C>A (p.Arg718=)

Gene: TSC2 (TSC complex subunit 2; plus strand). Cytogenetic location: 16p13.3.
Variant type: single nucleotide variant.
Coding change: c.2154C>A on transcript NM_000548.5 (MANE Select); coding-DNA position 2154, C replaced by A.
Protein change: p.Arg718=; no amino-acid change (arginine 718 retained).
Molecular consequence: synonymous variant.
Genome position (GRCh38, 1-based): chr16:2,072,297, C>A. VCF-style: chr16-2072297-C-A. GRCh37 (hg19) VCF-style: chr16-2122298-C-A.
Other names: c.2154C>A, p.Arg718= (NM_001077183.3, NM_001114382.3, NM_001363528.2 and 3 more transcripts); c.2043C>A, p.Arg681= (NM_001318827.2); c.2007C>A, p.Arg669= (NM_001318829.2); c.1554C>A, p.Arg518= (NM_001318831.2); c.2187C>A, p.Arg729= (NM_001318832.2).
Identifiers: ClinVar variation 237982 (VCV000237982.14), dbSNP rs878854081, ClinGen allele CA10583304.